The following is an entry in ClinVar:

ClinVar aggregate classification (germline): Pathogenic (1 of 4 stars; one submission).

Conditions:
D-2-hydroxyglutaric aciduria 1 (D2HGA1). Identifiers: Orphanet 79315, MedGen C3152055, MONDO:0024554, OMIM 600721.

Submission:

Labcorp Genetics (formerly Invitae), Labcorp
Classification: Pathogenic for D-2-hydroxyglutaric aciduria 1. Last evaluated: 2017-12-19. Review status: criteria provided, single submitter. Criteria: Invitae Variant Classification Sherloc (09022015). Collection method: clinical testing. Allele origin: germline.
Comment: This variant is a gross deletion of the genomic region encompassing exons 3-10 of the D2HGDH gene. The 5' boundary is likely confined to intron 2. The 3' end of this event is unknown as it extends through the termination codon beyond the assayed region for this gene and may encompass additional genes. While this deletion is not anticipated to result in nonsense mediated decay, it is expected to create a truncated protein product or disrupt mRNA translation. This variant has not been reported in the literature in individuals with D2HGDH-related disease. This deletion encompasses over 75% of the D2HGDH protein and includes most of the variants associated with D-2-hydroxyglutaric aciduria (PMID: 16037974, 20020533). For these reasons, this variant has been classified as Pathogenic.

Literature cited by the submitters: PubMed 20020533; PubMed 16037974.

NC_000002.12:g.(?_241741010)_(241767989_?)del

Genes: D2HGDH (D-2-hydroxyglutarate dehydrogenase; plus strand), LOC129389016 (MPRA-validated peak4107 silencer; plus strand). Cytogenetic location: 2q37.3.
Variant type: Deletion.
Identifiers: ClinVar variation 539292 (VCV000539292.1).